The following is an entry in ClinVar:

NM_025114.4(CEP290):c.1991A>G (p.Asp664Gly)

Gene: CEP290 (centrosomal protein 290; minus strand). Cytogenetic location: 12q21.32.
Variant type: single nucleotide variant.
Coding change: c.1991A>G on transcript NM_025114.4 (MANE Select); coding-DNA position 1991, A replaced by G.
Protein change: p.Asp664Gly; replaces aspartic acid 664 with glycine.
Molecular consequence: missense variant.
Genome position (GRCh38, 1-based): chr12:88,114,481, T>C on the plus strand (A>G on the coding strand, the complement: CEP290 is on the minus strand). VCF-style: chr12-88114481-T-C. GRCh37 (hg19) VCF-style: chr12-88508258-T-C.
Other names: p.D664G:GAT>GGT; NM_025114.3(CEP290):c.1991A>G(p.Asp664Gly); short protein forms D664G.
Identifiers: ClinVar variation 100592 (VCV000100592.41), dbSNP rs79705698, ClinGen allele CA150892.
Genomic context (GRCh38, chr12:88,114,481, plus strand): 5'-TTAACTAGTCTTTCAAGGCTAGGGATAATTAGAGATGTTTCTCCTCCTTTAACATCAGGA[T>C]CTTTCTGCATTTCCTTAATTGCTTGCAATATTTCTTTCATACCTTCTTCAAGTTGCTTAT-3'
Protein context (NP_079390.3, residues 654-674): ILQAIKEMQK[Asp664Gly]PDVKGGETSL

ClinVar aggregate classification (germline): Benign. Review status: criteria provided, multiple submitters, no conflicts (2 of 4 stars). 22 submissions from 18 submitters: Benign (15). 7 of the submissions do not count toward it. Last evaluated 2026-02-04.

Conditions:
Kidney disorder. Also called: renal disorder; renal disease; Nephropathy; Kidney disease; Kidney Diseases. Identifiers: MedGen C0022658, MONDO:0005240, HP:0000112.
Retinal dystrophy. Also called: Inherited retinal dystrophy. Identifiers: Orphanet 71862, MedGen C0854723, MeSH D058499, MONDO:0019118, HP:0000556.
Meckel syndrome, type 4 (MKS4). Also called: MECKEL-GRUBER SYNDROME, TYPE 4. Identifiers: Orphanet 564, MedGen C1970161, MONDO:0012626, OMIM 611134.
Leber congenital amaurosis (LCA). Also called: Leber's amaurosis. Identifiers: Orphanet 65, MedGen C0339527, MeSH D057130, MONDO:0018998.
Bardet-Biedl syndrome 14 (BBS14). Identifiers: Orphanet 110, MedGen C2673874, MONDO:0014442, OMIM 615991.
Leber congenital amaurosis 10 (LCA10). Identifiers: Orphanet 65, MedGen C1857821, MONDO:0012723, OMIM 611755.
Joubert syndrome. Also called: Familial aplasia of the vermis; JOUBERT-BOLTSHAUSER SYNDROME. Identifiers: Orphanet 475, MedGen C5979921, MONDO:0018772.
Meckel-Gruber syndrome. Also called: Dysencephalia splachnocystica; GRUBER SYNDROME; DYSENCEPHALIA SPLANCHNOCYSTICA. Identifiers: Orphanet 564, MedGen C0265215, MONDO:0018921.
Nephronophthisis. Also called: Juvenile Nephronophthisis. Identifiers: Orphanet 655, MedGen C0687120, MONDO:0019005, HP:0000090.
Senior-Loken syndrome 6 (SLSN6). Identifiers: Orphanet 3156, MedGen C1857779, MONDO:0012433, OMIM 610189.
Joubert syndrome 5 (JBTS5). Identifiers: Orphanet 2318, MedGen C1857780, MONDO:0012432, OMIM 610188.

Allele frequency attached by ClinVar (database versions not stated): ESP Exome Variant Server 0.00936; ExAC 0.01611; gnomAD 0.02050 and 0.02289; gnomAD exomes 0.02165 and 0.03349; TOPMed 0.02661; 1000 Genomes Project 30x 0.04107; 1000 Genomes Project 0.04453.
gnomAD v4.1: 33,965 of 1,548,028 alleles (2.2%); highest among the groups gnomAD compares: East Asian, 21%; 1,524 homozygotes.

Submissions (22):

Labcorp Genetics (formerly Invitae), Labcorp
Classification: Benign for Joubert syndrome; Meckel-Gruber syndrome; Nephronophthisis. Last evaluated: 2026-02-04. Review status: criteria provided, single submitter. Criteria: Invitae Variant Classification Sherloc (09022015). Collection method: clinical testing. Allele origin: germline.

Blueprint Genetics
Classification: Benign. Last evaluated: 2024-11-27. Review status: criteria provided, single submitter. Criteria: ACMG Guidelines, 2015. Collection method: clinical testing. Allele origin: germline.

ARUP Laboratories, Molecular Genetics and Genomics, ARUP Laboratories
Classification: Benign. Last evaluated: 2023-11-11. Review status: criteria provided, single submitter. Criteria: ARUP Molecular Germline Variant Investigation Process 2024. Collection method: clinical testing. Allele origin: germline.

Dept Of Ophthalmology, Nagoya University
Classification: Benign for Retinal dystrophy. Last evaluated: 2023-10-01. Review status: criteria provided, single submitter. Criteria: Submitter's publication. Collection method: research. Allele origin: germline. Affected: yes.

Mayo Clinic Laboratories, Mayo Clinic
Classification: Benign. Last evaluated: 2022-03-09. Review status: criteria provided, single submitter. Criteria: ACMG Guidelines, 2015. Collection method: clinical testing. Allele origin: germline. Observed: 15 variant alleles.

Genome Diagnostics Laboratory, The Hospital for Sick Children
Classification: Benign for Kidney disorder. Last evaluated: 2019-08-01. Review status: criteria provided, single submitter. Criteria: ACMG Guidelines, 2015. Collection method: clinical testing. Allele origin: germline.

SIB Swiss Institute of Bioinformatics
Classification: Benign for Joubert syndrome 5. Last evaluated: 2018-05-31. Review status: criteria provided, single submitter. Criteria: ACMG Guidelines, 2015. Collection method: curation. Allele origin: unknown.
Comment: This variant is interpreted as a Benign - Stand Alone, for Joubert syndrome 5, in Autosomal Recessive manner. The following ACMG Tag(s) were applied: BA1 => Allele frequency is >5% in Exome Sequencing Project, 1000 Genomes Project, or Exome Aggregation Consortium. BS4 => Lack of segregation in affected members of a family (PMID:17564967).

Illumina Laboratory Services, Illumina
Classification: Benign for Bardet-Biedl syndrome 14. Last evaluated: 2018-01-13. Review status: criteria provided, single submitter. Criteria: ICSL Variant Classification Criteria 13 December 2019. Collection method: clinical testing. Allele origin: germline.
Comment: This variant was observed in the ICSL laboratory as part of a predisposition screen in an ostensibly healthy population. It had not been previously curated by ICSL or reported in the Human Gene Mutation Database (HGMD: prior to June 1st, 2018), and was therefore a candidate for classification through an automated scoring system. Utilizing variant allele frequency, disease prevalence and penetrance estimates, and inheritance mode, an automated score was calculated to assess if this variant is too frequent to cause the disease. Based on the score and internal cut-off values, a variant classified as benign is not then subjected to further curation. The score for this variant resulted in a classification of benign for this disease.

Illumina Laboratory Services, Illumina
Classification: Benign for Meckel syndrome, type 4. Last evaluated: 2018-01-13. Review status: criteria provided, single submitter. Criteria: ICSL Variant Classification Criteria 13 December 2019. Collection method: clinical testing. Allele origin: germline.
Comment: the same text as in the submission from Illumina Laboratory Services, Illumina above.

Illumina Laboratory Services, Illumina
Classification: Benign for Leber congenital amaurosis 10. Last evaluated: 2018-01-13. Review status: criteria provided, single submitter. Criteria: ICSL Variant Classification Criteria 13 December 2019. Collection method: clinical testing. Allele origin: germline.
Comment: the same text as in the submission from Illumina Laboratory Services, Illumina above.

Illumina Laboratory Services, Illumina
Classification: Benign for Joubert syndrome 5. Last evaluated: 2018-01-13. Review status: criteria provided, single submitter. Criteria: ICSL Variant Classification Criteria 13 December 2019. Collection method: clinical testing. Allele origin: germline.
Comment: the same text as in the submission from Illumina Laboratory Services, Illumina above.

Illumina Laboratory Services, Illumina
Classification: Benign for Senior-Loken syndrome 6. Last evaluated: 2018-01-13. Review status: criteria provided, single submitter. Criteria: ICSL Variant Classification Criteria 13 December 2019. Collection method: clinical testing. Allele origin: germline.
Comment: the same text as in the submission from Illumina Laboratory Services, Illumina above.

GeneDx
Classification: Benign. Last evaluated: 2014-04-15. Review status: criteria provided, single submitter. Criteria: GeneDx Variant Classification (06012015). Collection method: clinical testing. Allele origin: germline. Affected: yes.
Comment: This variant is considered likely benign or benign based on one or more of the following criteria: it is a conservative change, it occurs at a poorly conserved position in the protein, it is predicted to be benign by multiple in silico algorithms, and/or has population frequency not consistent with disease.

Breakthrough Genomics
Classification: Benign. Review status: criteria provided, single submitter. Criteria: ACMG Guidelines, 2015. Collection method: not provided. Allele origin: germline. Inheritance: Autosomal recessive inheritance. Affected: yes.

PreventionGenetics, part of Exact Sciences
Classification: Benign. Review status: criteria provided, single submitter. Criteria: ACMG Guidelines, 2015. Collection method: clinical testing. Allele origin: germline.

Natera, Inc.
Classification: Benign for Leber congenital amaurosis. Last evaluated: 2020-09-16. Review status: no assertion criteria provided. Collection method: clinical testing. Allele origin: germline. Not counted in ClinVar's aggregate classification.

Institute of Human Genetics, Univ. Regensburg, Univ. Regensburg
Classification: Benign for Retinal dystrophy. Last evaluated: 2012-01-01. Review status: no assertion criteria provided. Criteria: ACMG Guidelines, 2015. Collection method: clinical testing. Allele origin: germline. Affected: yes. Not counted in ClinVar's aggregate classification.

Clinical Genetics DNA and cytogenetics Diagnostics Lab, Erasmus MC, Erasmus Medical Center
Classification: Likely benign. Review status: no assertion criteria provided. Collection method: clinical testing. Allele origin: germline. Affected: yes. Study: VKGL Data-share Consensus. Not counted in ClinVar's aggregate classification.

Genetic Services Laboratory, University of Chicago
Classification: Likely benign for AllHighlyPenetrant. Review status: no assertion criteria provided. Collection method: clinical testing. Allele origin: germline. Inheritance: Autosomal recessive inheritance. Observed: 35 variant alleles. Not counted in ClinVar's aggregate classification.
Comment: Likely benign based on allele frequency in 1000 Genomes Project or ESP global frequency and its presence in a patient with a rare or unrelated disease phenotype. NOT Sanger confirmed.

Joint Genome Diagnostic Labs from Nijmegen and Maastricht, Radboudumc and MUMC+
Classification: Benign. Review status: no assertion criteria provided. Collection method: clinical testing. Allele origin: germline. Affected: yes. Study: VKGL Data-share Consensus. Not counted in ClinVar's aggregate classification.

Laboratory of Diagnostic Genome Analysis, Leiden University Medical Center (LUMC)
Classification: Likely benign. Review status: no assertion criteria provided. Collection method: clinical testing. Allele origin: germline. Affected: yes. Study: VKGL Data-share Consensus. Not counted in ClinVar's aggregate classification.

NEI Ophthalmic Genomics Laboratory, National Institutes of Health
No classification provided. Review status: no classification provided. Collection method: not provided. Allele origin: not provided. Not counted in ClinVar's aggregate classification.

Literature cited by the submitters: PubMed 17564967 (cited by SIB Swiss Institute of Bioinformatics).